The following is an entry in ClinVar:

NM_001099271.2(POC5):c.1616A>G (p.Tyr539Cys)

Gene: POC5 (POC5 centriolar protein; minus strand). Cytogenetic location: 5q13.3.
Variant type: single nucleotide variant.
Coding change: c.1616A>G on transcript NM_001099271.2 (MANE Select); coding-DNA position 1616, A replaced by G.
Protein change: p.Tyr539Cys; replaces tyrosine 539 with cysteine.
Molecular consequence: missense variant.
Genome position (GRCh38, 1-based): chr5:75,674,547, T>C on the plus strand (A>G on the coding strand, the complement: POC5 is on the minus strand). VCF-style: chr5-75674547-T-C. GRCh37 (hg19) VCF-style: chr5-74970372-T-C.
Other names: c.1541A>G, p.Tyr514Cys (NM_152408.3); c.1616A>G (NM_001099271.1); short protein forms Y514C, Y539C.
Identifiers: ClinVar variation 2415533 (VCV002415533.7), dbSNP rs550940695, ClinGen allele CA3310272.

ClinVar aggregate classification (germline): Uncertain significance. Review status: criteria provided, multiple submitters, no conflicts (2 of 4 stars). 2 submissions from 2 submitters: Uncertain significance (2). Last evaluated 2025-03-28.

Allele frequency attached by ClinVar (database versions not stated): TOPMed 0.00002; gnomAD 0.00003; gnomAD exomes 0.00006; ExAC 0.00014; 1000 Genomes Project 30x 0.00016; 1000 Genomes Project 0.00020.
gnomAD v4.1: 92 of 1,613,988 alleles (0.0057%); highest among the groups gnomAD compares: South Asian, 0.085%; 2 homozygotes.

Submissions (2):

Ambry Genetics
Classification: Uncertain significance. Last evaluated: 2025-03-28. Review status: criteria provided, single submitter. Criteria: Ambry Variant Classification Scheme 2023. Collection method: clinical testing. Allele origin: germline.

Labcorp Genetics (formerly Invitae), Labcorp
Classification: Uncertain significance. Last evaluated: 2025-03-06. Review status: criteria provided, single submitter. Criteria: Invitae Variant Classification Sherloc (09022015). Collection method: clinical testing. Allele origin: germline.
Comment: This sequence change replaces tyrosine, which is neutral and polar, with cysteine, which is neutral and slightly polar, at codon 539 of the POC5 protein (p.Tyr539Cys). This variant is present in population databases (rs550940695, gnomAD 0.09%), and has an allele count higher than expected for a pathogenic variant. This variant has not been reported in the literature in individuals affected with POC5-related conditions. ClinVar contains an entry for this variant (Variation ID: 2415533). An algorithm developed to predict the effect of missense changes on protein structure and function (PolyPhen-2) suggests that this variant is likely to be disruptive. In summary, the available evidence is currently insufficient to determine the role of this variant in disease. Therefore, it has been classified as a Variant of Uncertain Significance.